The following is an entry in ClinVar:

NM_000059.4(BRCA2):c.4292C>T (p.Ala1431Val)

Gene: BRCA2 (BRCA2 DNA repair associated; plus strand). Cytogenetic location: 13q13.1.
Variant type: single nucleotide variant.
Coding change: c.4292C>T on transcript NM_000059.4 (MANE Select); coding-DNA position 4292, C replaced by T.
Protein change: p.Ala1431Val; replaces alanine 1431 with valine.
Molecular consequence: missense variant.
Genome position (GRCh38, 1-based): chr13:32,338,647, C>T. VCF-style: chr13-32338647-C-T. GRCh37 (hg19) VCF-style: chr13-32912784-C-T.
Other names: short protein forms A1431V.
Identifiers: ClinVar variation 231631 (VCV000231631.16), dbSNP rs876659272, ClinGen allele CA10579608.

ClinVar aggregate classification (germline): Conflicting classifications of pathogenicity. Review status: criteria provided, conflicting classifications (1 of 4 stars). 4 submissions from 4 submitters: Uncertain significance (3); Likely benign (1). Last evaluated 2025-10-15.

Conditions:
Hereditary cancer-predisposing syndrome. Also called: Neoplastic Syndromes, Hereditary; Tumor predisposition; Hereditary Cancer Syndrome; Hereditary neoplastic syndrome. Identifiers: Orphanet 140162, MedGen C0027672, MeSH D009386, MONDO:0015356.
Hereditary breast ovarian cancer syndrome. Also called: BRCA1- and BRCA2-Associated Hereditary Breast and Ovarian Cancer; Hereditary breast and ovarian cancer syndrome; Hereditary breast and ovarian cancer; Hereditary breast and ovarian cancer syndrome (HBOC); Breast and ovarian cancer; Hereditary breast and/or ovarian cancer syndrome. Identifiers: Orphanet 145, MedGen C0677776, MeSH D061325, MONDO:0003582. Disease mechanism: loss of function.

Submissions (4):

Ambry Genetics
Classification: Uncertain significance for Hereditary cancer-predisposing syndrome. Last evaluated: 2025-10-15. Review status: criteria provided, single submitter. Criteria: Ambry Variant Classification Scheme 2023. Collection method: clinical testing. Allele origin: germline.
Comment: The p.A1431V variant (also known as c.4292C>T), located in coding exon 10 of the BRCA2 gene, results from a C to T substitution at nucleotide position 4292. The alanine at codon 1431 is replaced by valine, an amino acid with similar properties. This amino acid position is well conserved in available vertebrate species. In addition, the in silico prediction for this alteration is inconclusive. Since supporting evidence is limited at this time, the clinical significance of this alteration remains unclear.

Labcorp Genetics (formerly Invitae), Labcorp
Classification: Uncertain significance for Hereditary breast ovarian cancer syndrome. Last evaluated: 2025-08-10. Review status: criteria provided, single submitter. Criteria: Invitae Variant Classification Sherloc (09022015). Collection method: clinical testing. Allele origin: germline.
Comment: This sequence change replaces alanine, which is neutral and non-polar, with valine, which is neutral and non-polar, at codon 1431 of the BRCA2 protein (p.Ala1431Val). This variant is not present in population databases (gnomAD no frequency). This variant has not been reported in the literature in individuals affected with BRCA2-related conditions. ClinVar contains an entry for this variant (Variation ID: 231631). Invitae Evidence Modeling of protein sequence and biophysical properties (such as structural, functional, and spatial information, amino acid conservation, physicochemical variation, residue mobility, and thermodynamic stability) indicates that this missense variant is not expected to disrupt BRCA2 protein function with a negative predictive value of 95%. In summary, the available evidence is currently insufficient to determine the role of this variant in disease. Therefore, it has been classified as a Variant of Uncertain Significance.

Quest Diagnostics Nichols Institute San Juan Capistrano
Classification: Uncertain significance. Last evaluated: 2024-03-08. Review status: criteria provided, single submitter. Criteria: Quest Diagnostics criteria. Collection method: clinical testing. Allele origin: unknown.
Comment: The BRCA2 c.4292C>T (p.Ala1431Val) variant has not been reported in individuals with BRCA2-related conditions in the published literature. It has been described to be located in a region of the BRCA2 gene that is tolerant to missense sequence changes (PMID: 31911673 (2020)). This variant has not been reported in large, multi-ethnic general populations (Genome Aggregation Database). Analysis of this variant using bioinformatics tools for the prediction of the effect of amino acid changes on protein structure and function yielded conflicting predictions that this variant is benign or damaging. Based on the available information, we are unable to determine the clinical significance of this variant.

University of Washington Department of Laboratory Medicine, University of Washington
Classification: Likely benign for Hereditary cancer-predisposing syndrome. Last evaluated: 2023-03-23. Review status: criteria provided, single submitter. Criteria: Dines et al. (Genet Med. 2020). Collection method: curation. Allele origin: germline.
Comment: Missense variant in a coldspot region where missense variants are very unlikely to be pathogenic (PMID:31911673).

BRCA2 exon 11 coldspot. Reclassification based on statistical prior probability.

Literature cited by the submitters: PubMed 31911673 (cited by Quest Diagnostics Nichols Institute San Juan Capistrano).